The following is an entry in ClinVar:

ClinVar aggregate classification (germline): Conflicting classifications of pathogenicity. Review status: criteria provided, conflicting classifications (1 of 4 stars). 4 submissions from 4 submitters: Uncertain significance (1); Benign (1); Likely benign (2). Last evaluated 2025-07-27.

Conditions:
TMEM132E-related disorder. Also called: TMEM132E-related condition.

Allele frequency attached by ClinVar (database versions not stated): gnomAD exomes 0.00035 and 0.00014; 1000 Genomes Project 0.00040; ExAC 0.00051; gnomAD 0.00147 and 0.00163; TOPMed 0.00169; ESP Exome Variant Server 0.00215.
gnomAD v4.1: 445 of 1,614,168 alleles (0.028%); highest among the groups gnomAD compares: African/African-American, 0.54%; 2 homozygotes.

Submissions (4):

Labcorp Genetics (formerly Invitae), Labcorp
Classification: Benign. Last evaluated: 2025-07-27. Review status: criteria provided, single submitter. Criteria: Invitae Variant Classification Sherloc (09022015). Collection method: clinical testing. Allele origin: germline.

PreventionGenetics, part of Exact Sciences
Classification: Likely benign for TMEM132E-related condition. Last evaluated: 2024-11-27. Review status: criteria provided, single submitter. Criteria: ACMG Guidelines, 2015. Collection method: clinical testing. Allele origin: germline.
Comment: This variant is classified as likely benign based on ACMG/AMP sequence variant interpretation guidelines (Richards et al. 2015 PMID: 25741868, with internal and published modifications).

Blueprint Genetics
Classification: Likely benign. Last evaluated: 2024-10-18. Review status: criteria provided, single submitter. Criteria: ACMG Guidelines, 2015. Collection method: clinical testing. Allele origin: germline.

Eurofins Ntd Llc (ga)
Classification: Uncertain significance. Last evaluated: 2018-02-01. Review status: criteria provided, single submitter. Criteria: EGL Classification Definitions 2015. Collection method: clinical testing. Allele origin: germline. Observed: 1 variant allele, 1 heterozygote.

NM_001304438.2(TMEM132E):c.1758C>T (p.Cys586=)

Gene: TMEM132E (transmembrane protein 132E; plus strand). Cytogenetic location: 17q12.
Variant type: single nucleotide variant.
Coding change: c.1758C>T on transcript NM_001304438.2 (MANE Select); coding-DNA position 1758, C replaced by T.
Protein change: p.Cys586=; no amino-acid change (cysteine 586 retained).
Molecular consequence: synonymous variant.
Genome position (GRCh38, 1-based): chr17:34,634,868, C>T. VCF-style: chr17-34634868-C-T. GRCh37 (hg19) VCF-style: chr17-32961887-C-T.
Other names: c.1758C>T (NM_001304438.1).
Identifiers: ClinVar variation 595856 (VCV000595856.10), dbSNP rs144692952, ClinGen allele CA8496799.